The following is an entry in ClinVar:

ClinVar aggregate classification (germline): Likely pathogenic (1 of 4 stars; one submission).

Conditions:
Midface hypoplasia, hearing impairment, elliptocytosis, and nephrocalcinosis (MFHIEN). Identifiers: Orphanet 688581, MedGen C4310810, MONDO:0010516, OMIM 300990.

Submission:

Variantyx, Inc.
Classification: Likely pathogenic for Midface hypoplasia, hearing impairment, elliptocytosis, and nephrocalcinosis. Last evaluated: 2025-03-13. Review status: criteria provided, single submitter. Criteria: Variantyx Assertion Criteria 2022. Collection method: clinical testing. Allele origin: maternal. Inheritance: X-linked recessive inheritance. Affected: yes.
Comment: This is a nonsynonymous variant in the AMMECR1 gene (OMIM: 300195). Pathogenic variants in this gene have been associated with X-linked midface hypoplasia, hearing impairment, elliptocytosis, and nephrocalcinosis. Multiple computational algorithms predict a deleterious effect for this variant (REVEL score: 0.88) (PP3). This variant is absent from control populations (PM2). Based on the current evidence, this variant is classified as likely pathogenic for X-linked midface hypoplasia, hearing impairment, elliptocytosis, and nephrocalcinosis.

NM_015365.3(AMMECR1):c.649G>A (p.Val217Met)

Gene: AMMECR1 (AMMECR nuclear protein 1; minus strand). Cytogenetic location: Xq23.
Variant type: single nucleotide variant.
Coding change: c.649G>A on transcript NM_015365.3 (MANE Select); coding-DNA position 649, G replaced by A.
Protein change: p.Val217Met; replaces valine 217 with methionine.
Molecular consequence: missense variant.
Genome position (GRCh38, 1-based): chrX:110,216,568, C>T on the plus strand (G>A on the coding strand, the complement: AMMECR1 is on the minus strand). VCF-style: chrX-110216568-C-T. GRCh37 (hg19) VCF-style: chrX-109459796-C-T.
Other names: c.538G>A, p.Val180Met (NM_001025580.2); c.280G>A, p.Val94Met (NM_001171689.2); short protein forms V217M, V94M, V180M.
Identifiers: ClinVar variation 4795934 (VCV004795934.1).